The following is an entry in ClinVar:

ClinVar aggregate classification (germline): Uncertain significance. Review status: criteria provided, multiple submitters, no conflicts (2 of 4 stars). 3 submissions from 3 submitters: Uncertain significance (3). Last evaluated 2026-01-31.

Conditions:
Epidermolysis bullosa simplex with nail dystrophy (EBS5D). Identifiers: MedGen C4225309, MONDO:0014661, OMIM 616487.
Epidermolysis bullosa simplex 5C, with pyloric atresia (EBS5C). Also called: PLEC-Related Epidermolysis Bullosa with Pyloric Atresia; Epidermolysis bullosa simplex with pyloric atresia; PLEC1-Related Epidermolysis Bullosa with Pyloric Atresia. Identifiers: Orphanet 158684, MedGen C2677349, MONDO:0012807, OMIM 612138.
Autosomal recessive limb-girdle muscular dystrophy type 2Q (LGMDR17). Also called: MUSCULAR DYSTROPHY, LIMB-GIRDLE, AUTOSOMAL RECESSIVE 17. Identifiers: Orphanet 254361, MedGen C3150989, MONDO:0013390, OMIM 613723.
Epidermolysis bullosa simplex 5B, with muscular dystrophy (EBS5B). Also called: EPIDERMOLYSIS BULLOSA SIMPLEX AND LIMB-GIRDLE MUSCULAR DYSTROPHY; Epidermolysis bullosa simplex with muscular dystrophy. Identifiers: Orphanet 257, MedGen C2931072, MONDO:0009181, OMIM 226670.
Epidermolysis bullosa simplex, Ogna type (EBS5A). Also called: Pidermolysis bullosa simplex 5A, Ogna type; EPIDERMOLYSIS BULLOSA SIMPLEX 5A, OGNA TYPE. Identifiers: Orphanet 79401, MedGen C0432317, MONDO:0007555, OMIM 131950.

Allele frequency attached by ClinVar (database versions not stated): gnomAD 0.00001; gnomAD exomes 0.00001 and 0.00003; TOPMed 0.00002.
gnomAD v4.1: 48 of 1,613,284 alleles (0.003%); highest among the groups gnomAD compares: Non-Finnish European, 0.0036%; no homozygotes.

Submissions (3):

Labcorp Genetics (formerly Invitae), Labcorp
Classification: Uncertain significance for Autosomal recessive limb-girdle muscular dystrophy type 2Q; Epidermolysis bullosa simplex, Ogna type; Epidermolysis bullosa simplex with nail dystrophy; Epidermolysis bullosa simplex 5C, with pyloric atresia; Epidermolysis bullosa simplex 5B, with muscular dystrophy. Last evaluated: 2026-01-31. Review status: criteria provided, single submitter. Criteria: Invitae Variant Classification Sherloc (09022015). Collection method: clinical testing. Allele origin: germline.
Comment: This sequence change replaces threonine, which is neutral and polar, with methionine, which is neutral and non-polar, at codon 3498 of the PLEC protein (p.Thr3498Met). This variant is present in population databases (no rsID available, gnomAD 0.003%). This variant has not been reported in the literature in individuals affected with PLEC-related conditions. ClinVar contains an entry for this variant (Variation ID: 282032). Invitae Evidence Modeling of protein sequence and biophysical properties (such as structural, functional, and spatial information, amino acid conservation, physicochemical variation, residue mobility, and thermodynamic stability) indicates that this missense variant is not expected to disrupt PLEC protein function with a negative predictive value of 80%. In summary, the available evidence is currently insufficient to determine the role of this variant in disease. Therefore, it has been classified as a Variant of Uncertain Significance.

Revvity Omics, Revvity
Classification: Uncertain significance. Last evaluated: 2024-05-07. Review status: criteria provided, single submitter. Criteria: ACMG Guidelines, 2015. Collection method: clinical testing. Allele origin: germline.

Eurofins Ntd Llc (ga)
Classification: Uncertain significance. Last evaluated: 2015-07-17. Review status: criteria provided, single submitter. Criteria: EGL Classification Definitions 2015. Collection method: clinical testing. Allele origin: germline. Observed: 2 variant alleles, 2 heterozygotes.

NM_201384.3(PLEC):c.10412C>T (p.Thr3471Met)

Gene: PLEC (plectin; minus strand). Cytogenetic location: 8q24.3.
Variant type: single nucleotide variant.
Coding change: c.10412C>T on transcript NM_201384.3 (MANE Select); coding-DNA position 10412, C replaced by T.
Protein change: p.Thr3471Met; replaces threonine 3471 with methionine.
Molecular consequence: missense variant.
Genome position (GRCh38, 1-based): chr8:143,919,409, G>A on the plus strand (C>T on the coding strand, the complement: PLEC is on the minus strand). VCF-style: chr8-143919409-G-A. GRCh37 (hg19) VCF-style: chr8-144993577-G-A.
Other names: c.10493C>T, p.Thr3498Met (NM_000445.5); c.10370C>T, p.Thr3457Met (NM_201378.4); c.10346C>T, p.Thr3449Met (NM_201379.3); c.10823C>T, p.Thr3608Met (NM_201380.4); c.10316C>T, p.Thr3439Met (NM_201381.3); c.10412C>T, p.Thr3471Met (NM_201382.4); c.10424C>T, p.Thr3475Met (NM_201383.3); short protein forms T3449M, T3471M, T3608M, T3439M, T3498M, T3457M, T3475M.
Identifiers: ClinVar variation 282032 (VCV000282032.10), dbSNP rs886044786, ClinGen allele CA10604044.